The following is an entry in ClinVar:

ClinVar aggregate classification (germline): Likely pathogenic (1 of 4 stars; one submission).

Conditions:
Neurodevelopmental disorder, nonprogressive, with spasticity and transient opisthotonus. Identifiers: MedGen C5562040, MONDO:0859212, OMIM 619653.

Submission:

3billion
Classification: Likely pathogenic for Neurodevelopmental disorder, nonprogressive, with spasticity and transient opisthotonus. Last evaluated: 2025-07-22. Review status: criteria provided, single submitter. Criteria: ACMG Guidelines, 2015. Collection method: clinical testing. Allele origin: germline. Affected: yes.
Comment: The variant is not observed in the gnomAD v4.1.0 dataset. Predicted Consequence/Location: Frameshift: predicted to result in a loss or disruption of normal protein function through nonsense-mediated decay (NMD) or protein truncation. Multiple pathogenic variants are reported downstream of the variant. Therefore, this variant is classified as Likely pathogenic according to the recommendation of ACMG/AMP guideline.

NM_003285.3(TNR):c.118del (p.Val40fs)

Gene: TNR (tenascin R; minus strand). Cytogenetic location: 1q25.1.
Variant type: Deletion.
Coding change: c.118del on transcript NM_003285.3 (MANE Select); coding-DNA position 118, one base deleted (G; older notation c.118delG).
Protein change: p.Val40fs; shifts the reading frame from valine 40.
Molecular consequence: frameshift variant. On other transcripts: 5 prime UTR variant (1).
Genome position (GRCh38, 1-based): chr1:175,406,597, C deleted on the plus strand (G on the coding strand, the reverse complement: TNR is on the minus strand); the first of 3 consecutive C bases (chr1:175,406,597-175,406,599); deleting any one gives the same sequence. VCF-style (leftmost placement, unchanged base first): chr1-175406596-AC-A. GRCh37 (hg19) VCF-style: chr1-175375732-AC-A.
Other names: c.-778del (NM_001328635.2); short protein forms V40fs.
Identifiers: ClinVar variation 4855760 (VCV004855760.1).